The following is an entry in ClinVar:

ClinVar aggregate classification (germline): Uncertain significance (1 of 4 stars; one submission).

Submission:

Labcorp Genetics (formerly Invitae), Labcorp
Classification: Uncertain significance. Last evaluated: 2022-08-21. Review status: criteria provided, single submitter. Criteria: Invitae Variant Classification Sherloc (09022015). Collection method: clinical testing. Allele origin: germline.
Comment: This variant has not been reported in the literature in individuals affected with FRAS1-related conditions. This sequence change replaces proline, which is neutral and non-polar, with arginine, which is basic and polar, at codon 1545 of the FRAS1 protein (p.Pro1545Arg). Information on the frequency of this variant in the gnomAD database is not available, as this variant may be reported differently in the database. Algorithms developed to predict the effect of missense changes on protein structure and function are either unavailable or do not agree on the potential impact of this missense change (SIFT: "Not Available"; PolyPhen-2: "Benign"; Align-GVGD: "Not Available"). In summary, the available evidence is currently insufficient to determine the role of this variant in disease. Therefore, it has been classified as a Variant of Uncertain Significance.

NM_025074.7(FRAS1):c.4634_4635delinsGA (p.Pro1545Arg)

Gene: FRAS1 (Fraser extracellular matrix complex subunit 1; plus strand). Cytogenetic location: 4q21.21.
Variant type: Indel.
Coding change: c.4634_4635delinsGA on transcript NM_025074.7 (MANE Select); coding-DNA positions 4634 to 4635, CG replaced by GA.
Protein change: p.Pro1545Arg; replaces proline 1545 with arginine.
Molecular consequence: missense variant.
Genome position (GRCh38, 1-based): chr4:78,421,956-78,421,957, CG replaced by GA. VCF-style: chr4-78421956-CG-GA. GRCh37 (hg19) VCF-style: chr4-79343110-CG-GA.
Other names: c.4634_4635delinsGA, p.Pro1545Arg (NM_001166133.2); short protein forms P1545R.
Identifiers: ClinVar variation 2109052 (VCV002109052.4), dbSNP rs2477113560, ClinGen allele CA2580071814.